The following is an entry in ClinVar:

ClinVar aggregate classification (germline): Uncertain significance. Review status: criteria provided, multiple submitters, no conflicts (2 of 4 stars). 2 submissions from 2 submitters: Uncertain significance (2). Last evaluated 2019-03-02.

Submissions (2):

Blueprint Genetics
Classification: Uncertain significance. Last evaluated: 2019-03-02. Review status: criteria provided, single submitter. Criteria: ACMG Guidelines, 2015. Collection method: clinical testing. Allele origin: germline.

Laboratory for Molecular Medicine, Mass General Brigham Personalized Medicine
Classification: Uncertain significance. Last evaluated: 2016-05-16. Review status: criteria provided, single submitter. Criteria: LMM Criteria. Collection method: clinical testing. Allele origin: germline. Observed: 1 variant allele.
Comment: The p.His875Tyr variant in MYBPC3 has not been previously reported in individual s with cardiomyopathy and data from large population studies is insufficient to assess the frequency of this variant. This variant was predicted to be benign us ing a computational tool clinically validated by our laboratory. This tool's ben ign prediction is estimated to be correct 89% of the time (Jordan 2011). In summ ary, the clinical significance of the p.His875Tyr variant is uncertain.

NM_000256.3(MYBPC3):c.2623C>T (p.His875Tyr)

Gene: MYBPC3 (myosin binding protein C3; minus strand). Cytogenetic location: 11p11.2.
Variant type: single nucleotide variant.
Coding change: c.2623C>T on transcript NM_000256.3 (MANE Select); coding-DNA position 2623, C replaced by T.
Protein change: p.His875Tyr; replaces histidine 875 with tyrosine.
Molecular consequence: missense variant.
Genome position (GRCh38, 1-based): chr11:47,335,991, G>A on the plus strand (C>T on the coding strand, the complement: MYBPC3 is on the minus strand). VCF-style: chr11-47335991-G-A. GRCh37 (hg19) VCF-style: chr11-47357542-G-A.
Other names: short protein forms H875Y.
Identifiers: ClinVar variation 505010 (VCV000505010.6), dbSNP rs1555120949, ClinGen allele CA380317427.